The following is an entry in ClinVar:

ClinVar aggregate classification (germline): Uncertain significance (1 of 4 stars; one submission).

Conditions:
Norman-Roberts syndrome (LIS2). Also called: Lissencephaly 2 (Norman-Roberts type). Identifiers: Orphanet 89844, MedGen C0796089, MONDO:0009760, OMIM 257320.
Familial temporal lobe epilepsy 7. Identifiers: Orphanet 101046, MedGen C4225327, MONDO:0014639, OMIM 616436.

Submission:

Labcorp Genetics (formerly Invitae), Labcorp
Classification: Uncertain significance for Familial temporal lobe epilepsy 7; Norman-Roberts syndrome. Last evaluated: 2022-06-13. Review status: criteria provided, single submitter. Criteria: Invitae Variant Classification Sherloc (09022015). Collection method: clinical testing. Allele origin: germline.
Comment: This sequence change replaces serine, which is neutral and polar, with glycine, which is neutral and non-polar, at codon 870 of the RELN protein (p.Ser870Gly). This variant is not present in population databases (gnomAD no frequency). This variant has not been reported in the literature in individuals affected with RELN-related conditions. Algorithms developed to predict the effect of missense changes on protein structure and function are either unavailable or do not agree on the potential impact of this missense change (SIFT: "Deleterious"; PolyPhen-2: "Benign"; Align-GVGD: "Class C0"). In summary, the available evidence is currently insufficient to determine the role of this variant in disease. Therefore, it has been classified as a Variant of Uncertain Significance.

NM_005045.4(RELN):c.2608A>G (p.Ser870Gly)

Gene: RELN (reelin; minus strand). Cytogenetic location: 7q22.1.
Variant type: single nucleotide variant.
Coding change: c.2608A>G on transcript NM_005045.4 (MANE Select); coding-DNA position 2608, A replaced by G.
Protein change: p.Ser870Gly; replaces serine 870 with glycine.
Molecular consequence: missense variant.
Genome position (GRCh38, 1-based): chr7:103,630,034, T>C on the plus strand (A>G on the coding strand, the complement: RELN is on the minus strand). VCF-style: chr7-103630034-T-C. GRCh37 (hg19) VCF-style: chr7-103270481-T-C.
Other names: c.2608A>G, p.Ser870Gly (NM_173054.3); short protein forms S870G.
Identifiers: ClinVar variation 1500378 (VCV001500378.3), dbSNP rs2117333045, ClinGen allele CA368758380.